The following is an entry in ClinVar:

ClinVar aggregate classification (germline): Uncertain significance (1 of 4 stars; one submission).

Conditions:
Fanconi anemia (FA). Also called: Fanconi's anemia. Identifiers: Orphanet 84, MedGen C0015625, MeSH D005199, MONDO:0019391.

Allele frequency attached by ClinVar (database versions not stated): TOPMed 0.00001; gnomAD 0.00001.
gnomAD v4.1: 4 of 1,614,018 alleles (0.00025%); highest among the groups gnomAD compares: Non-Finnish European, 0.00025%; no homozygotes.

Submission:

Labcorp Genetics (formerly Invitae), Labcorp
Classification: Uncertain significance for Fanconi anemia. Last evaluated: 2019-12-11. Review status: criteria provided, single submitter. Criteria: Invitae Variant Classification Sherloc (09022015). Collection method: clinical testing. Allele origin: germline.
Comment: This sequence change replaces asparagine with lysine at codon 1379 of the FANCD2 protein (p.Asn1379Lys). The asparagine residue is moderately conserved and there is a moderate physicochemical difference between asparagine and lysine. This variant is not present in population databases (ExAC no frequency). This variant has not been reported in the literature in individuals with FANCD2-related conditions. Algorithms developed to predict the effect of missense changes on protein structure and function are either unavailable or do not agree on the potential impact of this missense change (SIFT: "Deleterious"; PolyPhen-2: "Benign"; Align-GVGD: "Class C0"). In summary, the available evidence is currently insufficient to determine the role of this variant in disease. Therefore, it has been classified as a Variant of Uncertain Significance.

NM_001018115.3(FANCD2):c.4137T>A (p.Asn1379Lys)

Genes: FANCD2 (FA complementation group D2; plus strand), FANCD2OS (FANCD2 opposite strand; minus strand). Cytogenetic location: 3p25.3.
Variant type: single nucleotide variant.
Coding change: c.4137T>A on transcript NM_001018115.3 (MANE Select); coding-DNA position 4137, T replaced by A.
Protein change: p.Asn1379Lys; replaces asparagine 1379 with lysine.
Molecular consequence: missense variant. On other transcripts: intron variant (1).
Genome position (GRCh38, 1-based): chr3:10,096,424, T>A. VCF-style: chr3-10096424-T-A. GRCh37 (hg19) VCF-style: chr3-10138108-T-A.
Other names: c.4137T>A, p.Asn1379Lys (NM_001319984.2, NM_033084.6); c.4026T>A, p.Asn1342Lys (NM_001374253.1); c.4098T>A, p.Asn1366Lys (NM_001374254.1); c.*43+7774A>T (NM_173472.2); short protein forms N1342K, N1366K, N1379K.
Identifiers: ClinVar variation 844395 (VCV000844395.10), dbSNP rs752376206, ClinGen allele CA351757906.